The following is an entry in ClinVar:

NM_000448.3(RAG1):c.1178G>T (p.Gly393Val)

Gene: RAG1 (recombination activating 1; plus strand). Cytogenetic location: 11p12.
Variant type: single nucleotide variant.
Coding change: c.1178G>T on transcript NM_000448.3 (MANE Select); coding-DNA position 1178, G replaced by T.
Protein change: p.Gly393Val; replaces glycine 393 with valine.
Molecular consequence: missense variant.
Genome position (GRCh38, 1-based): chr11:36,574,482, G>T. VCF-style: chr11-36574482-G-T. GRCh37 (hg19) VCF-style: chr11-36596032-G-T.
Other names: c.1178G>T, p.Gly393Val (NM_001377277.1, NM_001377278.1, NM_001377279.1 and 1 more transcripts); short protein forms G393V.
Identifiers: ClinVar variation 452985 (VCV000452985.10), dbSNP rs1554944856, ClinGen allele CA380151728.
Genomic context (GRCh38, chr11:36,574,482, plus strand): 5'-ATCACCACATCTCAAGTCACAAGGAATCAAAAGAGATTTTTGTGCACATTAATAAAGGGG[G>T]CCGGCCCCGCCAACATCTTCTGTCGCTGACTCGGAGAGCTCAGAAGCACCGGCTGAGGGA-3'
Protein context (NP_000439.2, residues 383-403): KEIFVHINKG[Gly393Val]RPRQHLLSLT

ClinVar aggregate classification (germline): Conflicting classifications of pathogenicity. Review status: criteria provided, conflicting classifications (1 of 4 stars). 3 submissions from 3 submitters: Likely pathogenic (1); Uncertain significance (2). Last evaluated 2021-09-15.

Conditions:
Combined immunodeficiency with skin granulomas. Identifiers: Orphanet 157949, MedGen C2673536, MONDO:0009306, OMIM 233650.
Severe combined immunodeficiency, autosomal recessive, T cell-negative, B cell-negative, NK cell-positive. Also called: SCID, T CELL-NEGATIVE, B CELL-NEGATIVE, NK CELL-POSITIVE; Severe combined immunodeficiency due to complete RAG1/2 deficiency; SCID, AR, T-cell negative, B-cell negative, NK cell-positive. Identifiers: Orphanet 331206, MedGen C1832322, MONDO:0011086, OMIM 601457.

Allele frequency attached by ClinVar (database versions not stated): gnomAD exomes below 0.00001; gnomAD 0.00001.
gnomAD v4.1: 3 of 1,614,060 alleles (0.00019%); highest among the groups gnomAD compares: African/African-American, 0.0027%; no homozygotes.

Submissions (3):

Women's Health and Genetics/Laboratory Corporation of America, LabCorp
Classification: Uncertain significance. Last evaluated: 2021-09-15. Review status: criteria provided, single submitter. Criteria: LabCorp Variant Classification Summary - May 2015. Collection method: clinical testing. Allele origin: germline.
Comment: Variant summary: RAG1 c.1178G>T (p.Gly393Val) results in a non-conservative amino acid change located in the RAG nonamer-binding domain (IPR023336) of the encoded protein sequence. Five of five in-silico tools predict a damaging effect of the variant on protein function. The variant was absent in 250086 control chromosomes. The available data on variant occurrences in the general population are insufficient to allow any conclusion about variant significance. To our knowledge, no occurrence of c.1178G>T in individuals affected with Severe Combined Immunodeficiency Syndrome and no experimental evidence demonstrating its impact on protein function have been reported. Two clinical diagnostic laboratories have submitted clinical-significance assessments for this variant to ClinVar after 2014 without evidence for independent evaluation. One laboratory classified the variant as pathogenic/likely pathogenic, and one laboratory classified the variant as uncertain significance. Based on the evidence outlined above, the variant was classified as uncertain significance.

Labcorp Genetics (formerly Invitae), Labcorp
Classification: Uncertain significance for Combined immunodeficiency with skin granulomas; Severe combined immunodeficiency, autosomal recessive, T cell-negative, B cell-negative, NK cell-positive. Last evaluated: 2021-08-24. Review status: criteria provided, single submitter. Criteria: Invitae Variant Classification Sherloc (09022015). Collection method: clinical testing. Allele origin: germline.
Comment: This sequence change replaces glycine with valine at codon 393 of the RAG1 protein (p.Gly393Val). The glycine residue is highly conserved and there is a moderate physicochemical difference between glycine and valine. This variant is not present in population databases (ExAC no frequency). This missense change has been observed in individual(s) with clinical features consistent with RAG1-related conditions (Invitae). ClinVar contains an entry for this variant (Variation ID: 452985). Algorithms developed to predict the effect of missense changes on protein structure and function are either unavailable or do not agree on the potential impact of this missense change (SIFT: "Deleterious"; PolyPhen-2: "Probably Damaging"; Align-GVGD: "Class C0"). In summary, the available evidence is currently insufficient to determine the role of this variant in disease. Therefore, it has been classified as a Variant of Uncertain Significance.

GeneDx
Classification: Likely pathogenic. Last evaluated: 2020-12-08. Review status: criteria provided, single submitter. Criteria: GeneDx Variant Classification Process June 2021. Collection method: clinical testing. Allele origin: germline. Affected: yes.
Comment: Not observed in large population cohorts (Lek et al., 2016); In silico analysis supports that this missense variant has a deleterious effect on protein structure/function